The following is an entry in ClinVar:

ClinVar aggregate classification (germline): Uncertain significance. Review status: criteria provided, multiple submitters, no conflicts (2 of 4 stars). 2 submissions from 2 submitters: Uncertain significance (2). Last evaluated 2025-01-19.

Conditions:
Severe combined immunodeficiency due to DNA-PKcs deficiency. Also called: IMMUNODEFICIENCY 26 WITH NEUROLOGIC ABNORMALITIES; Immunodeficiency 26 with or without neurologic abnormalities. Identifiers: Orphanet 317425, MedGen C4014833, MONDO:0014423, OMIM 615966.

Allele frequency attached by ClinVar (database versions not stated): TOPMed 0.00001; gnomAD 0.00001; gnomAD exomes 0.00001.
gnomAD v4.1: 6 of 1,611,852 alleles (0.00037%); highest among the groups gnomAD compares: Admixed American, 0.01%; no homozygotes.

Submissions (2):

Ambry Genetics
Classification: Uncertain significance. Last evaluated: 2025-01-19. Review status: criteria provided, single submitter. Criteria: Ambry Variant Classification Scheme 2023. Collection method: clinical testing. Allele origin: germline.

Labcorp Genetics (formerly Invitae), Labcorp
Classification: Uncertain significance for Severe combined immunodeficiency due to DNA-PKcs deficiency. Last evaluated: 2022-06-13. Review status: criteria provided, single submitter. Criteria: Invitae Variant Classification Sherloc (09022015). Collection method: clinical testing. Allele origin: germline.
Comment: This sequence change replaces proline, which is neutral and non-polar, with leucine, which is neutral and non-polar, at codon 912 of the PRKDC protein (p.Pro912Leu). In summary, the available evidence is currently insufficient to determine the role of this variant in disease. Therefore, it has been classified as a Variant of Uncertain Significance. Experimental studies and prediction algorithms are not available or were not evaluated, and the functional significance of this variant is currently unknown. This variant has not been reported in the literature in individuals affected with PRKDC-related conditions. This variant is present in population databases (no rsID available, gnomAD 0.01%).

NM_006904.7(PRKDC):c.2735C>T (p.Pro912Leu)

Gene: PRKDC (protein kinase, DNA-activated, catalytic subunit; minus strand). Cytogenetic location: 8q11.21.
Variant type: single nucleotide variant.
Coding change: c.2735C>T on transcript NM_006904.7 (MANE Select); coding-DNA position 2735, C replaced by T.
Protein change: p.Pro912Leu; replaces proline 912 with leucine.
Molecular consequence: missense variant.
Genome position (GRCh38, 1-based): chr8:47,913,947, G>A on the plus strand (C>T on the coding strand, the complement: PRKDC is on the minus strand). VCF-style: chr8-47913947-G-A. GRCh37 (hg19) VCF-style: chr8-48826507-G-A.
Other names: c.2735C>T, p.Pro912Leu (NM_001081640.2); short protein forms P912L.
Identifiers: ClinVar variation 1795326 (VCV001795326.8), dbSNP rs1299058376, ClinGen allele CA371159149.